The following is an entry in ClinVar:

NM_138694.4(PKHD1):c.5776C>T (p.Arg1926Trp)

Gene: PKHD1 (PKHD1 ciliary IPT domain containing fibrocystin/polyductin; minus strand). Cytogenetic location: 6p12.2.
Variant type: single nucleotide variant.
Coding change: c.5776C>T on transcript NM_138694.4 (MANE Select); coding-DNA position 5776, C replaced by T.
Protein change: p.Arg1926Trp; replaces arginine 1926 with tryptophan.
Molecular consequence: missense variant.
Genome position (GRCh38, 1-based): chr6:51,960,002, G>A on the plus strand (C>T on the coding strand, the complement: PKHD1 is on the minus strand). VCF-style: chr6-51960002-G-A. GRCh37 (hg19) VCF-style: chr6-51824800-G-A.
Other names: c.5776C>T, p.Arg1926Trp (NM_170724.3); short protein forms R1926W.
Identifiers: ClinVar variation 966462 (VCV000966462.12), dbSNP rs543037335, ClinGen allele CA3852424.

ClinVar aggregate classification (germline): Uncertain significance. Review status: criteria provided, multiple submitters, no conflicts (2 of 4 stars). 5 submissions from 5 submitters: Uncertain significance (4). 1 of the submissions does not count toward it. Last evaluated 2026-01-08.

Conditions:
Polycystic kidney disease 4 (PKD4). Also called: Autosomal Recessive Polycystic Kidney Disease – PKHD1; POLYCYSTIC KIDNEY AND HEPATIC DISEASE 1; POLYCYSTIC KIDNEY DISEASE, INFANTILE, TYPE I; PKD3; POLYCYSTIC KIDNEY DISEASE 4 WITH OR WITHOUT POLYCYSTIC LIVER DISEASE. Identifiers: MedGen C4540575, MONDO:0033004, OMIM 263200.
PKHD1-related disorder. Also called: PKHD1-related condition.
Autosomal recessive polycystic kidney disease (ARPKD). Also called: AR polycystic kidney disease. Identifiers: Orphanet 731, Orphanet 8378, MedGen C0085548, MeSH D017044, MONDO:0009889.

Allele frequency attached by ClinVar (database versions not stated): TOPMed 0.00011.
gnomAD v4.1: 214 of 1,613,250 alleles (0.013%); highest among the groups gnomAD compares: Non-Finnish European, 0.015%; no homozygotes.

Submissions (5):

PreventionGenetics, part of Exact Sciences
Classification: Uncertain significance for PKHD1-related condition. Last evaluated: 2026-01-08. Review status: criteria provided, single submitter. Criteria: ACMG Guidelines, 2015. Collection method: clinical testing. Allele origin: germline.
Comment: The PKHD1 c.5776C>T variant is predicted to result in the amino acid substitution p.Arg1926Trp. To our knowledge, this variant has not been reported in the literature. This variant is reported in 0.0062% of alleles in individuals of European (Non-Finnish) descent in gnomAD. At this time, the clinical significance of this variant is uncertain due to the absence of conclusive functional and genetic evidence.

GeneDx
Classification: Uncertain significance. Last evaluated: 2024-05-06. Review status: criteria provided, single submitter. Criteria: GeneDx Variant Classification Process June 2021. Collection method: clinical testing. Allele origin: germline. Affected: yes.
Comment: Not observed at significant frequency in large population cohorts (gnomAD); In silico analysis indicates that this missense variant does not alter protein structure/function; Has not been previously published as pathogenic or benign to our knowledge

Fulgent Genetics
Classification: Uncertain significance for Polycystic kidney disease 4. Last evaluated: 2024-04-19. Review status: criteria provided, single submitter. Criteria: ACMG Guidelines, 2015. Collection method: clinical testing. Allele origin: germline.

Labcorp Genetics (formerly Invitae), Labcorp
Classification: Uncertain significance for Autosomal recessive polycystic kidney disease. Last evaluated: 2021-09-15. Review status: criteria provided, single submitter. Criteria: Invitae Variant Classification Sherloc (09022015). Collection method: clinical testing. Allele origin: germline.
Comment: This sequence change replaces arginine with tryptophan at codon 1926 of the PKHD1 protein (p.Arg1926Trp). The arginine residue is weakly conserved and there is a moderate physicochemical difference between arginine and tryptophan. This variant is present in population databases (rs543037335, ExAC 0.006%). This variant has not been reported in the literature in individuals affected with PKHD1-related conditions. Algorithms developed to predict the effect of missense changes on protein structure and function output the following: SIFT: "Tolerated"; PolyPhen-2: "Benign"; Align-GVGD: "Class C0". The tryptophan amino acid residue is found in multiple mammalian species, which suggests that this missense change does not adversely affect protein function. In summary, the available evidence is currently insufficient to determine the role of this variant in disease. Therefore, it has been classified as a Variant of Uncertain Significance.

Natera, Inc.
Classification: Uncertain significance for Autosomal recessive polycystic kidney disease. Last evaluated: 2017-08-10. Review status: no assertion criteria provided. Collection method: clinical testing. Allele origin: germline. Not counted in ClinVar's aggregate classification.